The following is an entry in ClinVar:

NM_000744.7(CHRNA4):c.1265G>A (p.Cys422Tyr)

Gene: CHRNA4 (cholinergic receptor nicotinic alpha 4 subunit; minus strand). Cytogenetic location: 20q13.33.
Variant type: single nucleotide variant.
Coding change: c.1265G>A on transcript NM_000744.7 (MANE Select); coding-DNA position 1265, G replaced by A.
Protein change: p.Cys422Tyr; replaces cysteine 422 with tyrosine.
Molecular consequence: missense variant. On other transcripts: non-coding transcript variant (1).
Genome position (GRCh38, 1-based): chr20:63,350,146, C>T on the plus strand (G>A on the coding strand, the complement: CHRNA4 is on the minus strand). VCF-style: chr20-63350146-C-T. GRCh37 (hg19) VCF-style: chr20-61981498-C-T.
Other names: c.737G>A, p.Cys246Tyr (NM_001256573.2); short protein forms C422Y, C246Y.
Identifiers: ClinVar variation 98311 (VCV000098311.10), dbSNP rs121912273, ClinGen allele CA150402.
Genomic context (GRCh38, chr20:63,350,146, plus strand): 5'-GGGCTGGCTTTCTCAGCTTCCAGGGGCTGCTGAGGAGGGAGCTGGTCGGAGGGTGACTTG[C>T]AGGAAGGCCCAGGCTCAGCCGGCACATCCAGGGGGACACAGAAGGACGGTGAGGGCGGGT-3'
Protein context (NP_000735.1, residues 412-432): LDVPAEPGPS[Cys422Tyr]KSPSDQLPPQ

ClinVar aggregate classification (germline): Uncertain significance. Review status: criteria provided, multiple submitters, no conflicts (2 of 4 stars). 3 submissions from 3 submitters: Uncertain significance (2). 1 of the submissions does not count toward it. Last evaluated 2018-01-28.

Conditions:
Tobacco use disorder. Identifiers: MedGen C0040336.
Inborn genetic diseases. Identifiers: MedGen C0950123, MeSH D030342.
Familial sleep-related hypermotor epilepsy. Also called: Autosomal Dominant Sleep-Related Hypermotor (Hyperkinetic) Epilepsy. Identifiers: Orphanet 98784, MedGen C3696898, MONDO:0000030.

Allele frequency attached by ClinVar (database versions not stated): ExAC below 0.00001; gnomAD 0.00001; TOPMed 0.00001.
gnomAD v4.1: 4 of 1,572,206 alleles (0.00025%); highest among the groups gnomAD compares: African/African-American, 0.0027%; no homozygotes.

Submissions (3):

Labcorp Genetics (formerly Invitae), Labcorp
Classification: Uncertain significance. Last evaluated: 2018-01-28. Review status: criteria provided, single submitter. Criteria: Invitae Variant Classification Sherloc (09022015). Collection method: clinical testing. Allele origin: germline.
Comment: In summary, the available evidence is currently insufficient to determine the role of this variant in disease. Therefore, it has been classified as a Variant of Uncertain Significance. Algorithms developed to predict the effect of missense changes on protein structure and function (SIFT, PolyPhen-2, Align-GVGD) all suggest that this variant is likely to be tolerated, but these predictions have not been confirmed by published functional studies and their clinical significance is uncertain. This variant has not been reported in the literature in individuals with CHRNA4-related disease. ClinVar contains an entry for this variant (Variation ID: 98311). The frequency data for this variant in the population databases is considered unreliable, as metrics indicate poor data quality at this position in the ExAC database. This sequence change replaces cysteine with tyrosine at codon 422 of the CHRNA4 protein (p.Cys422Tyr). The cysteine residue is moderately conserved and there is a large physicochemical difference between cysteine and tyrosine.

Ambry Genetics
Classification: Uncertain significance for Inborn genetic diseases. Last evaluated: 2017-06-15. Review status: criteria provided, single submitter. Criteria: Ambry Variant Classification Scheme 2023. Collection method: clinical testing. Allele origin: germline.
Comment: The p.C422Y variant (also known as c.1265G>A), located in coding exon 5 of the CHRNA4 gene, results from a G to A substitution at nucleotide position 1265. The cysteine at codon 422 is replaced by tyrosine, an amino acid with highly dissimilar properties. This amino acid position is not well conserved in available vertebrate species. In addition, this alteration is predicted to be tolerated by in silico analysis. Since supporting evidence is limited at this time, the clinical significance of this alteration remains unclear.

Psychiatry Genetics Yale University
No classification provided. Review status: no classification provided. Collection method: not provided. Allele origin: somatic. Not counted in ClinVar's aggregate classification.